The following is an entry in ClinVar:

NM_016252.4(BIRC6):c.8012C>G (p.Ser2671Cys)

Gene: BIRC6 (baculoviral IAP repeat containing 6; plus strand). Cytogenetic location: 2p22.3.
Variant type: single nucleotide variant.
Coding change: c.8012C>G on transcript NM_016252.4 (MANE Select); coding-DNA position 8012, C replaced by G.
Protein change: p.Ser2671Cys; replaces serine 2671 with cysteine.
Molecular consequence: missense variant.
Genome position (GRCh38, 1-based): chr2:32,488,631, C>G. VCF-style: chr2-32488631-C-G. GRCh37 (hg19) VCF-style: chr2-32713698-C-G.
Other names: c.8009C>G, p.Ser2670Cys (NM_001378125.1); short protein forms S2670C, S2671C.
Identifiers: ClinVar variation 4983826 (VCV004983826.1).

ClinVar aggregate classification (germline): Uncertain significance (1 of 4 stars; one submission).

Conditions:
BIRC6-related disorder. Also called: BIRC6-related condition.

Submission:

PreventionGenetics, part of Exact Sciences
Classification: Uncertain significance for BIRC6-related condition. Last evaluated: 2026-06-24. Review status: criteria provided, single submitter. Criteria: ACMG Guidelines, 2015. Collection method: clinical testing. Allele origin: germline.
Comment: The BIRC6 c.8012C>G variant is predicted to result in the amino acid substitution p.Ser2671Cys. To our knowledge, this variant has not been reported in the literature or in a large population database (gnomAD), indicating this variant is rare. At this time, the clinical significance of this variant is uncertain due to the absence of conclusive functional and genetic evidence.